The following is an entry in ClinVar:

ClinVar aggregate classification (germline): Conflicting classifications of pathogenicity. Review status: criteria provided, conflicting classifications (1 of 4 stars). 6 submissions from 6 submitters: Likely pathogenic (4); Uncertain significance (1). 1 of the submissions does not count toward it. Last evaluated 2026-01-01.

Conditions:
Wilson disease (WND). Also called: Wilson's disease. Identifiers: Orphanet 905, MedGen C0019202, MONDO:0010200, OMIM 277900. Disease mechanism: loss of function.

Allele frequency attached by ClinVar (database versions not stated): gnomAD exomes below 0.00001; ExAC 0.00001.
gnomAD v4.1: 1 of 1,614,206 alleles (0.000062%); highest among the groups gnomAD compares: Non-Finnish European, 0.000085%; no homozygotes.

Submissions (6):

CeGaT Center for Human Genetics Tuebingen
Classification: Likely pathogenic. Last evaluated: 2026-01-01. Review status: criteria provided, single submitter. Criteria: CeGaT Center For Human Genetics Tuebingen Variant Classification Criteria Version 2. Collection method: clinical testing. Allele origin: germline. Affected: yes. Observed: 1 variant allele.
Comment: ATP7B: PM1, PM2, PM3, PP4, PS3:Supporting

Fulgent Genetics
Classification: Likely pathogenic for Wilson disease. Last evaluated: 2024-06-23. Review status: criteria provided, single submitter. Criteria: ACMG Guidelines, 2015. Collection method: clinical testing. Allele origin: germline.

Women's Health and Genetics/Laboratory Corporation of America, LabCorp
Classification: Likely pathogenic for Wilson disease. Last evaluated: 2024-06-19. Review status: criteria provided, single submitter. Criteria: LabCorp Variant Classification Summary - May 2015. Collection method: clinical testing. Allele origin: germline.
Comment: Variant summary: ATP7B c.2279C>T (p.Pro760Leu) results in a non-conservative amino acid change in the encoded protein sequence. Five of five in-silico tools predict a damaging effect of the variant on protein function. The variant allele was found at a frequency of 4e-06 in 249582 control chromosomes (gnomAD). c.2279C>T has been reported in the literature in an individual(s) affected with Wilson Disease (Genschel_2001, Merle_2010, Weiss_2010). These data do not allow any conclusion about variant significance. At least one publication reports experimental evidence evaluating an impact on protein function, finding that the variant results in <10% of normal copper transport activity as well as hyperphosphorylation (Huster_2012). The following publications have been ascertained in the context of this evaluation (PMID: 11180609, 22240481, 20082719, 20517649). ClinVar contains an entry for this variant (Variation ID: 552367). Based on the evidence outlined above, the variant was classified as likely pathogenic.

All of Us Research Program, National Institutes of Health
Classification: Uncertain significance for Wilson disease. Last evaluated: 2023-08-08. Review status: criteria provided, single submitter. Criteria: ACMG Guidelines, 2015. Collection method: clinical testing. Allele origin: germline. Inheritance: Autosomal recessive inheritance. Observed: 1 variant allele, 1 heterozygote.
Comment: This missense variant, c.2279C>T, replaces proline with leucine at codon 760 of the ATP7B protein. Computational prediction suggests that this variant may have deleterious impact on protein structure and function (internally defined REVEL score threshold >= 0.7, PMID: 27666373). Functional studies demonstrate that this variant results in significantly reduced copper uptake, decreased transport activity, and hyperphosphorylation (PMID: 22240481). Another functional study concluded that the distribution pattern of the mutant protein in HuH-7 cells and HepG2 cells was similar to wild-type (PMID: 12557139). This variant has been reported in many individuals affected with autosomal recessive Wilson disease (PMID: 11180609, 11690702, 20517649). It was was observed in one affected individual who harbored a second co-occurring pathogenic ATP7B variant, however, it is unknown whether these variants are in cis or trans (PMID: 20517649). This variant has been identified in 1/249582 chromosomes in the general population by the Genome Aggregation Database (gnomAD). The available evidence is insufficient to determine the role of this variant in disease conclusively. Therefore, this variant is classified as a Variant of Uncertain Significance.

This study involves interpretation of variants in research participants for the purpose of population health screening. Participant phenotype was not available at the time of variant classification. Additional details can be found in publication PMID: 35346344, PMCID: PMC8962531

Baylor Genetics
Classification: Likely pathogenic for Wilson disease. Last evaluated: 2022-02-19. Review status: criteria provided, single submitter. Criteria: ACMG Guidelines, 2015. Collection method: clinical testing. Allele origin: unknown.

Counsyl
Classification: Uncertain significance for Wilson disease. Last evaluated: 2017-06-20. Review status: no assertion criteria provided. Collection method: clinical testing. Allele origin: unknown. Not counted in ClinVar's aggregate classification.

Literature cited by the submitters: PubMed 20517649 (cited by 3 submitters); PubMed 22240481 (cited by 3 submitters); PubMed 20082719 (cited by Women's Health and Genetics/Laboratory Corporation of America, LabCorp); PubMed 11180609 (cited by 3 submitters); PubMed 11690702 (cited by All of Us Research Program, National Institutes of Health and Counsyl); PubMed 12557139 (cited by All of Us Research Program, National Institutes of Health and Counsyl); PubMed 24253677 (cited by Counsyl); PubMed 22692182 (cited by Counsyl).

NM_000053.4(ATP7B):c.2279C>T (p.Pro760Leu)

Gene: ATP7B (ATPase copper transporting beta; minus strand). Cytogenetic location: 13q14.3.
Variant type: single nucleotide variant.
Coding change: c.2279C>T on transcript NM_000053.4 (MANE Select); coding-DNA position 2279, C replaced by T.
Protein change: p.Pro760Leu; replaces proline 760 with leucine.
Molecular consequence: missense variant. On other transcripts: intron variant (2).
Genome position (GRCh38, 1-based): chr13:51,958,387, G>A on the plus strand (C>T on the coding strand, the complement: ATP7B is on the minus strand). VCF-style: chr13-51958387-G-A. GRCh37 (hg19) VCF-style: chr13-52532523-G-A.
Other names: c.1946C>T, p.Pro649Leu (NM_001243182.2); c.2027C>T, p.Pro676Leu (NM_001330579.2); c.1870-780C>T (NM_001005918.3); c.2122-780C>T (NM_001330578.2); short protein forms P760L, P676L, P649L.
Identifiers: ClinVar variation 552367 (VCV000552367.10), dbSNP rs766907687, ClinGen allele CA6989074.